The following is an entry in ClinVar:

ClinVar aggregate classification (germline): Uncertain significance (1 of 4 stars; one submission).

Conditions:
Marfan syndrome (MFS). Also called: MARFAN SYNDROME, TYPE I; FBN1-Related Marfan Syndrome; Marfan syndrome type 1; Marfan's syndrome; Marfan syndrome, classic. Identifiers: Orphanet 284963, Orphanet 558, MedGen C0024796, MONDO:0007947, OMIM 154700.
Familial thoracic aortic aneurysm and aortic dissection (TAAD). Also called: Thoracic aortic aneurysms and dissections. Identifiers: Orphanet 91387, MedGen C4707243, MONDO:0019625.

Submission:

Labcorp Genetics (formerly Invitae), Labcorp
Classification: Uncertain significance for Marfan syndrome; Familial thoracic aortic aneurysm and aortic dissection. Last evaluated: 2023-08-11. Review status: criteria provided, single submitter. Criteria: Invitae Variant Classification Sherloc (09022015). Collection method: clinical testing. Allele origin: germline.
Comment: ClinVar contains an entry for this variant (Variation ID: 457160). In summary, the available evidence is currently insufficient to determine the role of this variant in disease. Therefore, it has been classified as a Variant of Uncertain Significance. Advanced modeling of protein sequence and biophysical properties (such as structural, functional, and spatial information, amino acid conservation, physicochemical variation, residue mobility, and thermodynamic stability) has been performed at Invitae for this missense variant, however the output from this modeling did not meet the statistical confidence thresholds required to predict the impact of this variant on FBN1 protein function. This variant has not been reported in the literature in individuals affected with FBN1-related conditions. This variant is not present in population databases (gnomAD no frequency). This sequence change replaces glycine, which is neutral and non-polar, with cysteine, which is neutral and slightly polar, at codon 47 of the FBN1 protein (p.Gly47Cys).

NM_000138.5(FBN1):c.139G>T (p.Gly47Cys)

Gene: FBN1 (fibrillin 1; minus strand). Cytogenetic location: 15q21.1.
Variant type: single nucleotide variant.
Coding change: c.139G>T on transcript NM_000138.5 (MANE Select); coding-DNA position 139, G replaced by T.
Protein change: p.Gly47Cys; replaces glycine 47 with cysteine.
Molecular consequence: missense variant.
Genome position (GRCh38, 1-based): chr15:48,644,631, C>A on the plus strand (G>T on the coding strand, the complement: FBN1 is on the minus strand). VCF-style: chr15-48644631-C-A. GRCh37 (hg19) VCF-style: chr15-48936828-C-A.
Other names: short protein forms G47C.
Identifiers: ClinVar variation 457160 (VCV000457160.8), dbSNP rs762400500, ClinGen allele CA392453522.